The following is an entry in ClinVar:

ClinVar aggregate classification (germline): Pathogenic (1 of 4 stars; one submission).

Conditions:
Inborn genetic diseases. Identifiers: MedGen C0950123, MeSH D030342.

Submission:

Ambry Genetics
Classification: Pathogenic for Inborn genetic diseases. Last evaluated: 2024-11-27. Review status: criteria provided, single submitter. Criteria: Ambry Variant Classification Scheme 2023. Collection method: clinical testing. Allele origin: germline.
Comment: The c.8400_8409del10 (p.E2801Gfs*24) alteration, located in exon 54 (coding exon 54) of the TRIO gene, consists of a deletion of 10 nucleotides from position 8400 to 8409, causing a translational frameshift with a predicted alternate stop codon after 24 amino acids. This alteration is expected to result in loss of function by premature protein truncation or nonsense-mediated mRNA decay. Although loss of function of TRIO has been associated with TRIO-related neurodevelopmental disorder with microcephaly, loss of function of TRIO has not been established as a mechanism of disease for TRIO-related neurodevelopmental disorder with macrocephaly. for TRIO-related neurodevelopmental disorder with microcephaly; however, it is unlikely to be causative of TRIO-related neurodevelopmental disorder with macrocephaly. This variant was not reported in population-based cohorts in the Genome Aggregation Database (gnomAD). Based on the available evidence, this alteration is classified as pathogenic.

NM_007118.4(TRIO):c.8400_8409del (p.Glu2801fs)

Gene: TRIO (trio Rho guanine nucleotide exchange factor; plus strand). Cytogenetic location: 5p15.2.
Variant type: Deletion.
Coding change: c.8400_8409del on transcript NM_007118.4 (MANE Select); coding-DNA positions 8400 to 8409, 10 bases deleted (TGAGCTTGGC; older notation c.8400_8409delTGAGCTTGGC).
Protein change: p.Glu2801fs; shifts the reading frame from glutamic acid 2801.
Molecular consequence: frameshift variant. On other transcripts: non-coding transcript variant (1).
Genome position (GRCh38, 1-based): chr5:14,502,646-14,502,655, TGAGCTTGGC deleted; deleting any 10 consecutive bases within chr5:14,502,642-14,502,655 gives the same sequence; the c. name uses the placement nearest the transcript's 3' end. VCF-style (leftmost placement, unchanged base first): chr5-14502641-GTGGCTGAGCT-G. GRCh37 (hg19) VCF-style: chr5-14502750-GTGGCTGAGCT-G.
Other names: short protein forms E2801fs.
Identifiers: ClinVar variation 3461688 (VCV003461688.1).